The following is an entry in ClinVar:

NM_001297.5(CNGB1):c.518C>T (p.Pro173Leu)

Gene: CNGB1 (cyclic nucleotide gated channel subunit beta 1; minus strand). Cytogenetic location: 16q21.
Variant type: single nucleotide variant.
Coding change: c.518C>T on transcript NM_001297.5 (MANE Select); coding-DNA position 518, C replaced by T.
Protein change: p.Pro173Leu; replaces proline 173 with leucine.
Molecular consequence: missense variant.
Genome position (GRCh38, 1-based): chr16:57,960,856, G>A on the plus strand (C>T on the coding strand, the complement: CNGB1 is on the minus strand). VCF-style: chr16-57960856-G-A. GRCh37 (hg19) VCF-style: chr16-57994760-G-A.
Other names: c.518C>T, p.Pro173Leu (NM_001135639.2, NM_001286130.2); short protein forms P173L.
Identifiers: ClinVar variation 942003 (VCV000942003.8), dbSNP rs1962235033, ClinGen allele CA396078243.

ClinVar aggregate classification (germline): Uncertain significance. Review status: criteria provided, multiple submitters, no conflicts (2 of 4 stars). 2 submissions from 2 submitters: Uncertain significance (2). Last evaluated 2022-11-22.

Submissions (2):

Labcorp Genetics (formerly Invitae), Labcorp
Classification: Uncertain significance. Last evaluated: 2022-11-22. Review status: criteria provided, single submitter. Criteria: Invitae Variant Classification Sherloc (09022015). Collection method: clinical testing. Allele origin: germline.
Comment: ClinVar contains an entry for this variant (Variation ID: 942003). This variant has not been reported in the literature in individuals affected with CNGB1-related conditions. This variant is not present in population databases (gnomAD no frequency). This sequence change replaces proline, which is neutral and non-polar, with leucine, which is neutral and non-polar, at codon 173 of the CNGB1 protein (p.Pro173Leu). Algorithms developed to predict the effect of missense changes on protein structure and function are either unavailable or do not agree on the potential impact of this missense change (SIFT: "Tolerated"; PolyPhen-2: "Probably Damaging"; Align-GVGD: "Class C0"). In summary, the available evidence is currently insufficient to determine the role of this variant in disease. Therefore, it has been classified as a Variant of Uncertain Significance.

Blueprint Genetics
Classification: Uncertain significance. Last evaluated: 2022-06-27. Review status: criteria provided, single submitter. Criteria: ACMG Guidelines, 2015. Collection method: clinical testing. Allele origin: germline.